The following is an entry in ClinVar:

NM_001130987.2(DYSF):c.6322-1G>C

Gene: DYSF (dysferlin; plus strand). Cytogenetic location: 2p13.2.
Variant type: single nucleotide variant.
Coding change: c.6322-1G>C on transcript NM_001130987.2 (MANE Select); the canonical splice acceptor site of the intron before coding-DNA position 6322, G replaced by C.
Molecular consequence: splice acceptor variant.
Genome position (GRCh38, 1-based): chr2:71,686,453, G>C. VCF-style: chr2-71686453-G-C. GRCh37 (hg19) VCF-style: chr2-71913583-G-C.
Other names: c.6298-1G>C (NM_001130979.2); c.6319-1G>C (NM_001130981.2); c.6256-1G>C (NM_001130980.2); c.6268-1G>C (NM_001130978.2); c.6205-1G>C (NM_003494.4); c.6226-1G>C (NM_001130977.2); c.6163-1G>C (NM_001130976.2); c.6301-1G>C (NM_001130982.2); and 5 more.
Identifiers: ClinVar variation 4854563 (VCV004854563.1).

ClinVar aggregate classification (germline): Likely pathogenic (1 of 4 stars; one submission).

Conditions:
DYSF-related disorder. Also called: DYSF-related condition; DYSF-related disorders.

Submission:

3billion
Classification: Likely pathogenic for DYSF-related disorder. Last evaluated: 2025-09-05. Review status: criteria provided, single submitter. Criteria: ACMG Guidelines, 2015. Collection method: clinical testing. Allele origin: germline. Affected: yes.
Comment: The variant is not observed in the gnomAD v4.1.0 dataset. Predicted Consequence/Location: Canonical splice site: predicted to alter splicing and result in a loss or disruption of normal protein function. The predicted truncated protein may be shortened by less than 10%. In silico tools predict the variant to alter splicing and produce an abnormal transcript [SpliceAI: 0.92 (spliceogenicity >=0.2, non-spliceogenicity <0.1)]. Therefore, this variant is classified as Likely pathogenic according to the recommendation of ACMG/AMP guideline.